The following is an entry in ClinVar:

ClinVar aggregate classification (germline): Uncertain significance. Review status: criteria provided, multiple submitters, no conflicts (2 of 4 stars). 2 submissions from 2 submitters: Uncertain significance (2). Last evaluated 2024-12-20.

Conditions:
Inborn genetic diseases. Identifiers: MedGen C0950123, MeSH D030342.

Allele frequency attached by ClinVar (database versions not stated): gnomAD exomes 0.00001 and 0.00003; ExAC 0.00002.
gnomAD v4.1: 44 of 1,612,880 alleles (0.0027%); highest among the groups gnomAD compares: South Asian, 0.0055%; no homozygotes.

Submissions (2):

Ambry Genetics
Classification: Uncertain significance for Inborn genetic diseases. Last evaluated: 2024-12-20. Review status: criteria provided, single submitter. Criteria: Ambry Variant Classification Scheme 2023. Collection method: clinical testing. Allele origin: germline.

Labcorp Genetics (formerly Invitae), Labcorp
Classification: Uncertain significance. Last evaluated: 2021-08-31. Review status: criteria provided, single submitter. Criteria: Invitae Variant Classification Sherloc (09022015). Collection method: clinical testing. Allele origin: germline.
Comment: This sequence change replaces arginine with tryptophan at codon 1003 of the SKIV2L protein (p.Arg1003Trp). The arginine residue is moderately conserved and there is a moderate physicochemical difference between arginine and tryptophan. This variant is present in population databases (rs772944763, ExAC 0.006%). This variant has not been reported in the literature in individuals affected with SKIV2L-related conditions. Algorithms developed to predict the effect of missense changes on protein structure and function are either unavailable or do not agree on the potential impact of this missense change (SIFT: "Deleterious"; PolyPhen-2: "Probably Damaging"; Align-GVGD: "Class C0"). In summary, the available evidence is currently insufficient to determine the role of this variant in disease. Therefore, it has been classified as a Variant of Uncertain Significance.

NM_006929.5(SKIC2):c.3007C>T (p.Arg1003Trp)

Gene: SKIC2 (SKI2 subunit of superkiller complex; plus strand). Cytogenetic location: 6p21.33.
Variant type: single nucleotide variant.
Coding change: c.3007C>T on transcript NM_006929.5 (MANE Select); coding-DNA position 3007, C replaced by T.
Protein change: p.Arg1003Trp; replaces arginine 1003 with tryptophan.
Molecular consequence: missense variant.
Genome position (GRCh38, 1-based): chr6:31,968,476, C>T. VCF-style: chr6-31968476-C-T. GRCh37 (hg19) VCF-style: chr6-31936253-C-T.
Other names: c.3007C>T (NM_006929.4); short protein forms R1003W.
Identifiers: ClinVar variation 1399980 (VCV001399980.6), dbSNP rs772944763, ClinGen allele CA3729927.